The following is an entry in ClinVar:

ClinVar aggregate classification (germline): Pathogenic (1 of 4 stars; one submission).

Submission:

Labcorp Genetics (formerly Invitae), Labcorp
Classification: Pathogenic. Last evaluated: 2023-02-24. Review status: criteria provided, single submitter. Criteria: Invitae Variant Classification Sherloc (09022015). Collection method: clinical testing. Allele origin: germline.
Comment: For these reasons, this variant has been classified as Pathogenic. This variant has not been reported in the literature in individuals affected with CLCN7-related conditions. This variant is present in population databases (no rsID available, gnomAD 0.0009%). This sequence change creates a premature translational stop signal (p.Tyr94*) in the CLCN7 gene. It is expected to result in an absent or disrupted protein product. Loss-of-function variants in CLCN7 are known to be pathogenic (PMID: 14584882, 19953639).

Literature cited by the submitters: PubMed 14584882; PubMed 19953639.

NM_001287.6(CLCN7):c.282T>G (p.Tyr94Ter)

Gene: CLCN7 (chloride voltage-gated channel 7; minus strand). Cytogenetic location: 16p13.3.
Variant type: single nucleotide variant.
Coding change: c.282T>G on transcript NM_001287.6 (MANE Select); coding-DNA position 282, T replaced by G.
Protein change: p.Tyr94Ter; replaces tyrosine 94 with a stop codon.
Molecular consequence: nonsense.
Genome position (GRCh38, 1-based): chr16:1,461,606, A>C on the plus strand (T>G on the coding strand, the complement: CLCN7 is on the minus strand). VCF-style: chr16-1461606-A-C. GRCh37 (hg19) VCF-style: chr16-1511607-A-C.
Other names: c.210T>G, p.Tyr70Ter (NM_001114331.3); short protein forms Y94*, Y70*.
Identifiers: ClinVar variation 2840563 (VCV002840563.3), dbSNP rs1417753527, ClinGen allele CA394193113.